The following is an entry in ClinVar:

ClinVar aggregate classification (germline): Conflicting classifications of pathogenicity. Review status: criteria provided, conflicting classifications (1 of 4 stars). 3 submissions from 3 submitters: Uncertain significance (1); Benign (1). 1 of the submissions does not count toward it. Last evaluated 2025-11-01.

Conditions:
Greenberg dysplasia (GRBGD). Also called: CHONDRODYSTROPHY, HYDROPIC AND PRENATALLY LETHAL TYPE; HEM SKELETAL DYSPLASIA; MOTH-EATEN SKELETAL DYSPLASIA. Identifiers: Orphanet 1426, MedGen C2931048, MONDO:0008974, OMIM 215140.
LBR-related disorder. Also called: LBR-related condition; LBR-related disorders.

Allele frequency attached by ClinVar (database versions not stated): gnomAD exomes 0.00011 and 0.00019; ExAC 0.00013; TOPMed 0.00017; gnomAD 0.00019 and 0.00021.
gnomAD v4.1: 212 of 1,613,814 alleles (0.013%); highest among the groups gnomAD compares: Non-Finnish European, 0.0025%; 1 homozygote.

Submissions (3):

Labcorp Genetics (formerly Invitae), Labcorp
Classification: Benign. Last evaluated: 2025-11-01. Review status: criteria provided, single submitter. Criteria: Invitae Variant Classification Sherloc (09022015). Collection method: clinical testing. Allele origin: germline.

Illumina Laboratory Services, Illumina
Classification: Uncertain significance for Greenberg dysplasia. Last evaluated: 2018-01-13. Review status: criteria provided, single submitter. Criteria: ICSL Variant Classification Criteria 13 December 2019. Collection method: clinical testing. Allele origin: germline.

PreventionGenetics, part of Exact Sciences
Classification: Likely benign for LBR-related condition. Last evaluated: 2021-02-09. Review status: no assertion criteria provided. Collection method: clinical testing. Allele origin: germline. Not counted in ClinVar's aggregate classification.
Comment: This variant is classified as likely benign based on ACMG/AMP sequence variant interpretation guidelines (Richards et al. 2015 PMID: 25741868, with internal and published modifications).

NM_002296.4(LBR):c.97A>G (p.Thr33Ala)

Gene: LBR (lamin B receptor; minus strand). Cytogenetic location: 1q42.12.
Variant type: single nucleotide variant.
Coding change: c.97A>G on transcript NM_002296.4 (MANE Select); coding-DNA position 97, A replaced by G.
Protein change: p.Thr33Ala; replaces threonine 33 with alanine.
Molecular consequence: missense variant.
Genome position (GRCh38, 1-based): chr1:225,423,979, T>C on the plus strand (A>G on the coding strand, the complement: LBR is on the minus strand). VCF-style: chr1-225423979-T-C. GRCh37 (hg19) VCF-style: chr1-225611681-T-C.
Other names: c.97A>G, p.Thr33Ala (NM_194442.3); short protein forms T33A.
Identifiers: ClinVar variation 295948 (VCV000295948.14), dbSNP rs200756121, ClinGen allele CA1417572.